The following is an entry in ClinVar:

ClinVar aggregate classification (germline): Likely benign. Review status: criteria provided, multiple submitters, no conflicts (2 of 4 stars). 2 submissions from 2 submitters: Likely benign (2). Last evaluated 2025-10-01.

Conditions:
AFG2B-related disorder. Also called: AFG2B-related condition.

gnomAD v4.1: 282 of 1,610,648 alleles (0.018%); highest among the groups gnomAD compares: South Asian, 0.29%; 3 homozygotes.

Submissions (2):

CeGaT Center for Human Genetics Tuebingen
Classification: Likely benign. Last evaluated: 2025-10-01. Review status: criteria provided, single submitter. Criteria: CeGaT Center For Human Genetics Tuebingen Variant Classification Criteria Version 2. Collection method: clinical testing. Allele origin: germline. Affected: yes. Observed: 1 variant allele.
Comment: AFG2B: BS2

PreventionGenetics, part of Exact Sciences
Classification: Likely benign for AFG2B-related condition. Last evaluated: 2024-12-10. Review status: criteria provided, single submitter. Criteria: ACMG Guidelines, 2015. Collection method: clinical testing. Allele origin: germline.
Comment: This variant is classified as likely benign based on ACMG/AMP sequence variant interpretation guidelines (Richards et al. 2015 PMID: 25741868, with internal and published modifications).

NM_024063.3(AFG2B):c.940A>G (p.Ser314Gly)

Gene: AFG2B (AAA ATPase AFG2B; plus strand). Cytogenetic location: 15q21.1.
Variant type: single nucleotide variant.
Coding change: c.940A>G on transcript NM_024063.3 (MANE Select); coding-DNA position 940, A replaced by G.
Protein change: p.Ser314Gly; replaces serine 314 with glycine.
Molecular consequence: missense variant. On other transcripts: non-coding transcript variant (5).
Genome position (GRCh38, 1-based): chr15:45,403,369, A>G. VCF-style: chr15-45403369-A-G. GRCh37 (hg19) VCF-style: chr15-45695567-A-G.
Other names: c.940A>G, p.Ser314Gly (NM_001323640.2); c.940A>G (NM_024063.2); short protein forms S314G.
Identifiers: ClinVar variation 4534236 (VCV004534236.7).